The following is an entry in ClinVar:

ClinVar aggregate classification (germline): Uncertain significance. Review status: criteria provided, multiple submitters, no conflicts (2 of 4 stars). 4 submissions from 4 submitters: Uncertain significance (4). Last evaluated 2025-09-04.

Conditions:
Deafness-lymphedema-leukemia syndrome. Also called: Lymphedema, primary, with myelodysplasia; Emberger syndrome. Identifiers: Orphanet 3226, MedGen C3279664, MONDO:0013540, OMIM 614038.
Monocytopenia with susceptibility to infections. Also called: IMMUNODEFICIENCY 21; GATA2 DEFICIENCY; MONOCYTOPENIA AND MYCOBACTERIAL INFECTION SYNDROME; MONOCYTOPENIA WITH SUSCEPTIBILITY TO MYCOBACTERIAL, FUNGAL, AND PAPILLOMAVIRUS INFECTIONS AND MYELODYSPLASIA; COMBINED IMMUNODEFICIENCY WITH SUSCEPTIBILITY TO MYCOBACTERIAL, VIRAL, AND FUNGAL INFECTIONS; Dendritic cell, monocyte, B lymphocyte, and natural killer lymphocyte deficiency. Identifiers: Orphanet 228423, MedGen C3280030, MONDO:0013607, OMIM 614172.
Acute myeloid leukemia (AML). Also called: Acute myeloid leukemia, adult; AML adult; Acute non-lymphocytic leukemia; Acute granulocytic leukemia; Leukemia, acute myeloid, somatic; Leukemia, acute myelogenous, somatic. Identifiers: Orphanet 519, MedGen C0023467, MeSH D015470, MONDO:0018874, OMIM 601626, HP:0004808. Disease mechanism: Constitutively activated FLT3.
Inborn genetic diseases. Identifiers: MedGen C0950123, MeSH D030342.

Allele frequency attached by ClinVar (database versions not stated): gnomAD exomes below 0.00001; TOPMed below 0.00001; ExAC 0.00001.
gnomAD v4.1: 4 of 1,613,770 alleles (0.00025%); highest among the groups gnomAD compares: African/African-American, 0.0013%; no homozygotes.

Submissions (4):

Women's Health and Genetics/Laboratory Corporation of America, LabCorp
Classification: Uncertain significance. Last evaluated: 2025-09-04. Review status: criteria provided, single submitter. Criteria: LabCorp Variant Classification Summary - May 2015. Collection method: clinical testing. Allele origin: germline.
Comment: Variant summary: GATA2 c.1360C>T (p.Pro454Ser) results in a non-conservative amino acid change in the encoded protein sequence. Algorithms developed to predict the effect of missense changes on protein structure and function all suggest that this variant is likely to be disruptive. The variant allele was found at a frequency of 4e-06 in 250498 control chromosomes. The available data on variant occurrences in the general population are insufficient to allow any conclusion about variant significance. To our knowledge, no occurrence of c.1360C>T in individuals affected with GATA2-related conditions and no experimental evidence demonstrating its impact on protein function have been reported. ClinVar contains an entry for this variant (Variation ID: 663393). Based on the evidence outlined above, the variant was classified as uncertain significance.

Ambry Genetics
Classification: Uncertain significance for Inborn genetic diseases. Last evaluated: 2025-05-03. Review status: criteria provided, single submitter. Criteria: Ambry Variant Classification Scheme 2023. Collection method: clinical testing. Allele origin: germline.
Comment: The p.P454S variant (also known as c.1360C>T), located in coding exon 5 of the GATA2 gene, results from a C to T substitution at nucleotide position 1360. The proline at codon 454 is replaced by serine, an amino acid with similar properties. This amino acid position is highly conserved in available vertebrate species. In addition, the in silico prediction for this alteration is inconclusive. Based on the available evidence, the clinical significance of this variant remains unclear.

Labcorp Genetics (formerly Invitae), Labcorp
Classification: Uncertain significance for Monocytopenia with susceptibility to infections; Deafness-lymphedema-leukemia syndrome. Last evaluated: 2024-10-29. Review status: criteria provided, single submitter. Criteria: Invitae Variant Classification Sherloc (09022015). Collection method: clinical testing. Allele origin: germline.
Comment: This sequence change replaces proline, which is neutral and non-polar, with serine, which is neutral and polar, at codon 454 of the GATA2 protein (p.Pro454Ser). This variant is present in population databases (rs774297463, gnomAD 0.0009%). This variant has not been reported in the literature in individuals affected with GATA2-related conditions. ClinVar contains an entry for this variant (Variation ID: 663393). Invitae Evidence Modeling of protein sequence and biophysical properties (such as structural, functional, and spatial information, amino acid conservation, physicochemical variation, residue mobility, and thermodynamic stability) has been performed for this missense variant. However, the output from this modeling did not meet the statistical confidence thresholds required to predict the impact of this variant on GATA2 protein function. In summary, the available evidence is currently insufficient to determine the role of this variant in disease. Therefore, it has been classified as a Variant of Uncertain Significance.

Baylor Genetics
Classification: Uncertain significance for Acute myeloid leukemia. Last evaluated: 2023-11-08. Review status: criteria provided, single submitter. Criteria: ACMG Guidelines, 2015. Collection method: clinical testing. Allele origin: unknown.

Literature cited by the submitters: PubMed 25241285 (cited by Women's Health and Genetics/Laboratory Corporation of America, LabCorp); PubMed 22814295 (cited by Women's Health and Genetics/Laboratory Corporation of America, LabCorp); PubMed 22649106 (cited by Women's Health and Genetics/Laboratory Corporation of America, LabCorp); PubMed 21892162 (cited by Women's Health and Genetics/Laboratory Corporation of America, LabCorp); PubMed 26660446 (cited by Women's Health and Genetics/Laboratory Corporation of America, LabCorp); PubMed 26124496 (cited by Women's Health and Genetics/Laboratory Corporation of America, LabCorp); PubMed 26022708 (cited by Women's Health and Genetics/Laboratory Corporation of America, LabCorp); PubMed 28654364 (cited by Women's Health and Genetics/Laboratory Corporation of America, LabCorp); PubMed 27276561 (cited by Women's Health and Genetics/Laboratory Corporation of America, LabCorp); PubMed 30190467 (cited by Women's Health and Genetics/Laboratory Corporation of America, LabCorp).

NM_032638.5(GATA2):c.1360C>T (p.Pro454Ser)

Gene: GATA2 (GATA binding protein 2; minus strand). Cytogenetic location: 3q21.3.
Variant type: single nucleotide variant.
Coding change: c.1360C>T on transcript NM_032638.5 (MANE Select); coding-DNA position 1360, C replaced by T.
Protein change: p.Pro454Ser; replaces proline 454 with serine.
Molecular consequence: missense variant.
Genome position (GRCh38, 1-based): chr3:128,481,102, G>A on the plus strand (C>T on the coding strand, the complement: GATA2 is on the minus strand). VCF-style: chr3-128481102-G-A. GRCh37 (hg19) VCF-style: chr3-128199945-G-A.
Other names: c.1360C>T, p.Pro454Ser (NM_001145661.2); c.1318C>T, p.Pro440Ser (NM_001145662.1); short protein forms P440S, P454S.
Identifiers: ClinVar variation 663393 (VCV000663393.15), dbSNP rs774297463, ClinGen allele CA2599792.
Genomic context (GRCh38, chr3:128,481,102, plus strand): 5'-TGGACGGGTGGGGGTGGCCGAAGGAGAGGCTGGAGGAGGGGTGGATGGGCGTCGGAGTGG[G>A]CAGGATGTGTCCGGAGTGGCTGAAGGGCGGGAGGTGGCCCACAGGTGCCATGTGTCCAGC-3'
Protein context (NP_116027.2, residues 444-464): PPFSHSGHIL[Pro454Ser]TPTPIHPSSS